The following is an entry in ClinVar:

ClinVar aggregate classification (germline): Uncertain significance (1 of 4 stars; one submission).

Conditions:
Nemaline myopathy 2 (NEM2). Also called: Nemaline myopathy 2, autosomal recessive. Identifiers: MedGen C1850569, MONDO:0009725, OMIM 256030.

Allele frequency attached by ClinVar (database versions not stated): gnomAD exomes below 0.00001; ExAC 0.00001; gnomAD 0.00001.
gnomAD v4.1: 4 of 1,612,884 alleles (0.00025%); highest among the groups gnomAD compares: Admixed American, 0.0017%; no homozygotes.

Submission:

Labcorp Genetics (formerly Invitae), Labcorp
Classification: Uncertain significance for Nemaline myopathy 2. Last evaluated: 2022-08-16. Review status: criteria provided, single submitter. Criteria: Invitae Variant Classification Sherloc (09022015). Collection method: clinical testing. Allele origin: germline.
Comment: This sequence change affects codon 1329 of the NEB mRNA. It is a 'silent' change, meaning that it does not change the encoded amino acid sequence of the NEB protein. It affects a nucleotide within the consensus splice site. This variant is present in population databases (rs764778381, gnomAD 0.003%). This variant has not been reported in the literature in individuals affected with NEB-related conditions. ClinVar contains an entry for this variant (Variation ID: 939535). Algorithms developed to predict the effect of sequence changes on RNA splicing suggest that this variant is not likely to affect RNA splicing. In summary, the available evidence is currently insufficient to determine the role of this variant in disease. Therefore, it has been classified as a Variant of Uncertain Significance.

NM_001164508.2(NEB):c.3987T>C (p.Asp1329=)

Gene: NEB (nebulin; minus strand). Cytogenetic location: 2q23.3.
Variant type: single nucleotide variant.
Coding change: c.3987T>C on transcript NM_001164508.2 (MANE Select); coding-DNA position 3987, T replaced by C.
Protein change: p.Asp1329=; no amino-acid change (aspartic acid 1329 retained).
Molecular consequence: synonymous variant.
Genome position (GRCh38, 1-based): chr2:151,674,477, A>G on the plus strand (T>C on the coding strand, the complement: NEB is on the minus strand). VCF-style: chr2-151674477-A-G. GRCh37 (hg19) VCF-style: chr2-152530991-A-G.
Other names: c.3987T>C, p.Asp1329= (NM_001164507.2, NM_001271208.2, NM_004543.5).
Identifiers: ClinVar variation 939535 (VCV000939535.3), dbSNP rs764778381, ClinGen allele CA1910774.